The following is an entry in ClinVar:

NM_000257.4(MYH7):c.531-14C>T

Gene: MYH7 (myosin heavy chain 7; minus strand). Cytogenetic location: 14q11.2.
Variant type: single nucleotide variant.
Coding change: c.531-14C>T on transcript NM_000257.4 (MANE Select); 14 bases into the intron before coding-DNA position 531, C replaced by T.
Molecular consequence: intron variant.
Genome position (GRCh38, 1-based): chr14:23,431,883, G>A on the plus strand (C>T on the coding strand, the complement: MYH7 is on the minus strand). VCF-style: chr14-23431883-G-A. GRCh37 (hg19) VCF-style: chr14-23901092-G-A.
Identifiers: ClinVar variation 2413558 (VCV002413558.6), dbSNP rs758951614, ClinGen allele CA046307.
Genomic context (GRCh38, chr14:23,431,883, plus strand): 5'-GGATGACCCTCTTGGTGTTGACTGTCTTCCCTGCTCCGGATTCTCCGCTGTGAAGACAGG[G>A]GCTTATTGGGCAGTGAACAATACTACTGGAGACCAGCAAGCCTCAAATCAGGAGAGAATG-3'

ClinVar aggregate classification (germline): Conflicting classifications of pathogenicity. Review status: criteria provided, conflicting classifications (1 of 4 stars). 2 submissions from 2 submitters: Uncertain significance (1); Likely benign (1). Last evaluated 2023-06-08.

Conditions:
Hypertrophic cardiomyopathy. Also called: HYPERTROPHIC MYOCARDIOPATHY. Identifiers: Orphanet 217569, MedGen C0007194, MeSH D002312, MONDO:0005045, HP:0001639.
Cardiomyopathy (CMYO). Also called: Cardiomyopathies. Identifiers: Orphanet 167848, MedGen C0878544, MONDO:0004994, HP:0001638. Inheritance: Various modes of inheritance.

Allele frequency attached by ClinVar (database versions not stated): gnomAD exomes below 0.00001; ExAC 0.00001.
gnomAD v4.1: 4 of 1,612,230 alleles (0.00025%); highest among the groups gnomAD compares: Admixed American, 0.0017%; no homozygotes.

Submissions (2):

All of Us Research Program, National Institutes of Health
Classification: Uncertain significance for Cardiomyopathy. Last evaluated: 2023-06-08. Review status: criteria provided, single submitter. Criteria: ACMG Guidelines, 2015. Collection method: clinical testing. Allele origin: germline. Inheritance: Autosomal dominant inheritance. Observed: 2 variant alleles, 2 heterozygotes.
Comment: This variant causes a C to T nucleotide substitution at the -14 position of intron 6 of the MYH7 gene. To our knowledge, functional studies have not been reported for this variant. This variant has not been reported in individuals affected with cardiovascular disorders in the literature. This variant has been identified in 2/251442 chromosomes in the general population by the Genome Aggregation Database (gnomAD). The available evidence is insufficient to determine the role of this variant in disease conclusively. Therefore, this variant is classified as a Variant of Uncertain Significance.

This study involves interpretation of variants in research participants for the purpose of population health screening. Participant phenotype was not available at the time of variant classification. Additional details can be found in publication PMID: 35346344, PMCID: PMC8962531

Labcorp Genetics (formerly Invitae), Labcorp
Classification: Likely benign for Hypertrophic cardiomyopathy. Last evaluated: 2022-08-01. Review status: criteria provided, single submitter. Criteria: Invitae Variant Classification Sherloc (09022015). Collection method: clinical testing. Allele origin: germline.